The following is an entry in ClinVar:

ClinVar aggregate classification (germline): Likely benign. Review status: criteria provided, multiple submitters, no conflicts (2 of 4 stars). 7 submissions from 6 submitters: Likely benign (7). Last evaluated 2026-01-12.

Conditions:
Adams-Oliver syndrome 5 (AOS5). Identifiers: Orphanet 974, MedGen C4014970, MONDO:0014459, OMIM 616028.
Aortic valve disease 1 (AOVD1). Identifiers: MedGen C3887892, MONDO:0024523, OMIM 109730.
Familial thoracic aortic aneurysm and aortic dissection (TAAD). Also called: Thoracic aortic aneurysms and dissections. Identifiers: Orphanet 91387, MedGen C4707243, MONDO:0019625.

Allele frequency attached by ClinVar (database versions not stated): gnomAD exomes 0.00003 and 0.00007; TOPMed 0.00003; gnomAD 0.00005; ESP Exome Variant Server 0.00008; ExAC 0.00009.
gnomAD v4.1: 51 of 1,612,766 alleles (0.0032%); highest among the groups gnomAD compares: East Asian, 0.013%; no homozygotes.

Submissions (7):

Labcorp Genetics (formerly Invitae), Labcorp
Classification: Likely benign for Adams-Oliver syndrome 5. Last evaluated: 2026-01-12. Review status: criteria provided, single submitter. Criteria: Invitae Variant Classification Sherloc (09022015). Collection method: clinical testing. Allele origin: germline.

Laboratory of Genetics, Children's Clinical University Hospital Latvia
Classification: Likely benign. Last evaluated: 2025-02-16. Review status: criteria provided, single submitter. Criteria: ACMG Guidelines, 2015. Collection method: clinical testing. Allele origin: germline. Affected: yes.

Blueprint Genetics
Classification: Likely benign. Last evaluated: 2023-09-15. Review status: criteria provided, single submitter. Criteria: ACMG Guidelines, 2015. Collection method: clinical testing. Allele origin: germline.

Genome-Nilou Lab
Classification: Likely benign for Adams-Oliver syndrome 5. Last evaluated: 2022-03-15. Review status: criteria provided, single submitter. Criteria: ACMG Guidelines, 2015. Collection method: clinical testing. Allele origin: germline. Affected: no.

Genome-Nilou Lab
Classification: Likely benign for Aortic valve disease 1. Last evaluated: 2022-03-15. Review status: criteria provided, single submitter. Criteria: ACMG Guidelines, 2015. Collection method: clinical testing. Allele origin: germline. Affected: no.

GeneDx
Classification: Likely benign. Last evaluated: 2017-10-24. Review status: criteria provided, single submitter. Criteria: GeneDx Variant Classification (06012015). Collection method: clinical testing. Allele origin: germline. Affected: yes.
Comment: This variant is considered likely benign or benign based on one or more of the following criteria: it is a conservative change, it occurs at a poorly conserved position in the protein, it is predicted to be benign by multiple in silico algorithms, and/or has population frequency not consistent with disease.

Ambry Genetics
Classification: Likely benign for Familial thoracic aortic aneurysm and aortic dissection. Last evaluated: 2016-10-04. Review status: criteria provided, single submitter. Criteria: Ambry Variant Classification Scheme 2023. Collection method: clinical testing. Allele origin: germline.

NM_017617.5(NOTCH1):c.5100C>T (p.Ala1700=)

Gene: NOTCH1 (notch receptor 1; minus strand). Cytogenetic location: 9q34.3.
Variant type: single nucleotide variant.
Coding change: c.5100C>T on transcript NM_017617.5 (MANE Select); coding-DNA position 5100, C replaced by T.
Protein change: p.Ala1700=; no amino-acid change (alanine 1700 retained).
Molecular consequence: synonymous variant.
Genome position (GRCh38, 1-based): chr9:136,503,249, G>A on the plus strand (C>T on the coding strand, the complement: NOTCH1 is on the minus strand). VCF-style: chr9-136503249-G-A. GRCh37 (hg19) VCF-style: chr9-139397701-G-A.
Other names: c.5100C>T, p.Ala1700= (LRG_1122t1).
Identifiers: ClinVar variation 512937 (VCV000512937.19), dbSNP rs376495459, ClinGen allele CA5340443.